The following is an entry in ClinVar:

ClinVar aggregate classification (germline): Uncertain significance. Review status: criteria provided, multiple submitters, no conflicts (2 of 4 stars). 3 submissions from 3 submitters: Uncertain significance (3). Last evaluated 2026-08-17.

Conditions:
SLC10A1-related disorder. Also called: SLC10A1-related condition.

Allele frequency attached by ClinVar (database versions not stated): gnomAD 0.00005 and 0.00009; TOPMed 0.00007; ESP Exome Variant Server 0.00008.
gnomAD v4.1: 243 of 1,613,920 alleles (0.015%); highest among the groups gnomAD compares: Middle Eastern, 0.35%; no homozygotes.

Submissions (3):

PreventionGenetics, part of Exact Sciences
Classification: Uncertain significance for SLC10A1-related condition. Last evaluated: 2026-08-17. Review status: criteria provided, single submitter. Criteria: ACMG Guidelines, 2015. Collection method: clinical testing. Allele origin: germline.
Comment: The SLC10A1 c.870G>A variant is predicted to result in the amino acid substitution p.Met290Ile. To our knowledge, this variant has not been reported in the literature. This variant is reported in 0.085% of alleles in individuals of South Asian descent in gnomAD, which may be too common for an undocumented primary cause of disease. Although we suspect that this variant may be benign, the clinical significance of this variant is uncertain at this due to the absence of conclusive functional and genetic evidence.

Ambry Genetics
Classification: Uncertain significance. Last evaluated: 2024-12-23. Review status: criteria provided, single submitter. Criteria: Ambry Variant Classification Scheme 2023. Collection method: clinical testing. Allele origin: germline.

Eurofins Ntd Llc (ga)
Classification: Uncertain significance. Last evaluated: 2018-03-06. Review status: criteria provided, single submitter. Criteria: EGL ClinVar v180209 classification definitions. Collection method: clinical testing. Allele origin: germline. Observed: 2 variant alleles, 2 heterozygotes.

NM_003049.4(SLC10A1):c.870G>A (p.Met290Ile)

Gene: SLC10A1 (solute carrier family 10 member 1; minus strand). Cytogenetic location: 14q24.1.
Variant type: single nucleotide variant.
Coding change: c.870G>A on transcript NM_003049.4 (MANE Select); coding-DNA position 870, G replaced by A.
Protein change: p.Met290Ile; replaces methionine 290 with isoleucine.
Molecular consequence: missense variant.
Genome position (GRCh38, 1-based): chr14:69,778,406, C>T on the plus strand (G>A on the coding strand, the complement: SLC10A1 is on the minus strand). VCF-style: chr14-69778406-C-T. GRCh37 (hg19) VCF-style: chr14-70245123-C-T.
Other names: c.870G>A (NM_003049.3); short protein forms M290I.
Identifiers: ClinVar variation 502752 (VCV000502752.8), dbSNP rs201290531, ClinGen allele CA7245943.
Genomic context (GRCh38, chr14:69,778,406, plus strand): 5'-GAATTTCTCATAGCACCAAAATATGGCAATGAGGAGAAGCCCTTCTCCAAGCTGGAAAAT[C>T]ATGTAGAGGAGGGGAAAGAAGAAAAGTGGTCCAATGACTTCAGGTGGAAAGGCCACATTG-3'
Protein context (NP_003040.1, residues 280-300): GPLFFFPLLY[Met290Ile]IFQLGEGLLL